The following is an entry in ClinVar:

ClinVar aggregate classification (germline): Uncertain significance. Review status: criteria provided, multiple submitters, no conflicts (2 of 4 stars). 2 submissions from 2 submitters: Uncertain significance (2). Last evaluated 2025-02-21.

Conditions:
POLD1-related polyposis and colorectal cancer syndrome (CRCS10). Also called: Colorectal cancer, susceptibility to, 10; Colorectal cancer 10; COLORECTAL CANCER, SUSCEPTIBILITY TO, ON CHROMOSOME 19q. Identifiers: Orphanet 220460, MedGen C2675481, MONDO:0012953, OMIM 612591.
Hereditary cancer-predisposing syndrome. Also called: Tumor predisposition; Hereditary Cancer Syndrome; Hereditary neoplastic syndrome; Neoplastic Syndromes, Hereditary. Identifiers: Orphanet 140162, MedGen C0027672, MeSH D009386, MONDO:0015356.

Submissions (2):

Ambry Genetics
Classification: Uncertain significance for Hereditary cancer-predisposing syndrome. Last evaluated: 2025-02-21. Review status: criteria provided, single submitter. Criteria: Ambry Variant Classification Scheme 2023. Collection method: clinical testing. Allele origin: germline.
Comment: The c.193_196delGTTG variant, located in coding exon 1 of the POLD1 gene, results from a deletion of 4 nucleotides at nucleotide positions 193 to 196, causing a translational frameshift with a predicted alternate stop codon (p.V65Qfs*10). This alteration is expected to result in protein truncation or nonsense-mediated mRNA decay. However, loss of function of POLD1 has not been established as a mechanism of disease. Based on the available evidence, the clinical significance of this alteration remains unclear.

Labcorp Genetics (formerly Invitae), Labcorp
Classification: Uncertain significance for POLD1-related polyposis and colorectal cancer syndrome. Last evaluated: 2021-06-16. Review status: criteria provided, single submitter. Criteria: Invitae Variant Classification Sherloc (09022015). Collection method: clinical testing. Allele origin: germline.
Comment: This variant has not been reported in the literature in individuals with POLD1-related conditions. Missense variants that disrupt the 3'-5' exonuclease (proof-reading) activity of the POLD1 protein are associated with an increased risk for colonic adenomatous polyps and colon cancer (PMID: 23263490, 23447401). However, loss-of-function variants that result in an absent or severely disrupted POLD1 protein, and missense variants outside the exonuclease domain, are unlikely to be associated with polyposis or colon cancer. Without further clinical and genetic evidence, this variant has been classified as a Variant of Uncertain Significance. This sequence change creates a premature translational stop signal (p.Val65Glnfs*10) in the POLD1 gene. It is expected to result in an absent or disrupted protein product. This variant is not present in population databases (ExAC no frequency).

Literature cited by the submitters: PubMed 23263490 (cited by Labcorp Genetics (formerly Invitae), Labcorp); PubMed 23447401 (cited by Labcorp Genetics (formerly Invitae), Labcorp).

NM_002691.4(POLD1):c.193_196del (p.Val65fs)

Gene: POLD1 (DNA polymerase delta 1, catalytic subunit; plus strand). Cytogenetic location: 19q13.33.
Variant type: Deletion.
Coding change: c.193_196del on transcript NM_002691.4 (MANE Select); coding-DNA positions 193 to 196, 4 bases deleted (GTTG; older notation c.193_196delGTTG).
Protein change: p.Val65fs; shifts the reading frame from valine 65.
Molecular consequence: frameshift variant. On other transcripts: non-coding transcript variant (1).
Genome position (GRCh38, 1-based): chr19:50,399,044-50,399,047, GTTG deleted; deleting any 4 consecutive bases within chr19:50,399,043-50,399,047 gives the same sequence; the c. name uses the placement nearest the transcript's 3' end. VCF-style (leftmost placement, unchanged base first): chr19-50399042-GGGTT-G. GRCh37 (hg19) VCF-style: chr19-50902299-GGGTT-G.
Other names: c.193_196del, p.Val65fs (NM_001256849.1, NM_001308632.1); c.193_196delGTTG (NM_002691.2); short protein forms V65fs.
Identifiers: ClinVar variation 1360841 (VCV001360841.9), dbSNP rs2122197766, ClinGen allele CA2573156636.